The following is an entry in ClinVar:

NM_001680.5(FXYD2):c.28G>A (p.Gly10Ser)

Genes: FXYD2 (FXYD domain containing ion transport regulator 2; minus strand), FXYD6-FXYD2 (FXYD6-FXYD2 readthrough; minus strand). Cytogenetic location: 11q23.3.
Variant type: single nucleotide variant.
Coding change: c.28G>A on transcript NM_001680.5 (MANE Select); coding-DNA position 28, G replaced by A.
Protein change: p.Gly10Ser; replaces glycine 10 with serine.
Molecular consequence: missense variant.
Genome position (GRCh38, 1-based): chr11:117,822,715, C>T on the plus strand (G>A on the coding strand, the complement: FXYD2 is on the minus strand). VCF-style: chr11-117822715-C-T. GRCh37 (hg19) VCF-style: chr11-117693430-C-T.
Other names: c.262G>A, p.Gly88Ser (NM_001204268.3); c.275G>A, p.Arg92Gln (NM_001243598.4); c.22G>A, p.Gly8Ser (NM_021603.4); short protein forms G10S, G8S, G88S, R92Q.
Identifiers: ClinVar variation 302526 (VCV000302526.14), dbSNP rs146614981, ClinGen allele CA6297866.

ClinVar aggregate classification (germline): Benign/Likely benign. Review status: criteria provided, multiple submitters, no conflicts (2 of 4 stars). 4 submissions from 4 submitters: Benign (2); Likely benign (2). Last evaluated 2025-07-11.

Conditions:
Renal hypomagnesemia 2 (HOMG2). Also called: MAGNESIUM LOSS, ISOLATED RENAL. Identifiers: Orphanet 34528, MedGen C1835171, MONDO:0007937, OMIM 154020.
FXYD2-related disorder. Also called: FXYD2-related condition.

Allele frequency attached by ClinVar (database versions not stated): gnomAD exomes 0.00013; ExAC 0.00029; TOPMed 0.00075; gnomAD 0.00078 and 0.00083; 1000 Genomes Project 0.00100; ESP Exome Variant Server 0.00100; 1000 Genomes Project 30x 0.00109.
gnomAD v4.1: 241 of 1,609,604 alleles (0.015%); highest among the groups gnomAD compares: African/African-American, 0.24%; no homozygotes.

Submissions (4):

Labcorp Genetics (formerly Invitae), Labcorp
Classification: Likely benign. Last evaluated: 2025-07-11. Review status: criteria provided, single submitter. Criteria: Invitae Variant Classification Sherloc (09022015). Collection method: clinical testing. Allele origin: germline.

PreventionGenetics, part of Exact Sciences
Classification: Likely benign for FXYD2-related condition. Last evaluated: 2025-03-19. Review status: criteria provided, single submitter. Criteria: ACMG Guidelines, 2015. Collection method: clinical testing. Allele origin: germline.
Comment: This variant is classified as likely benign based on ACMG/AMP sequence variant interpretation guidelines (Richards et al. 2015 PMID: 25741868, with internal and published modifications).

Fulgent Genetics
Classification: Benign for Renal hypomagnesemia 2. Last evaluated: 2022-02-13. Review status: criteria provided, single submitter. Criteria: ACMG Guidelines, 2015. Collection method: clinical testing. Allele origin: unknown.

Illumina Laboratory Services, Illumina
Classification: Benign for Renal hypomagnesemia 2. Last evaluated: 2018-01-13. Review status: criteria provided, single submitter. Criteria: ICSL Variant Classification Criteria 13 December 2019. Collection method: clinical testing. Allele origin: germline.
Comment: This variant was observed in the ICSL laboratory as part of a predisposition screen in an ostensibly healthy population. It had not been previously curated by ICSL or reported in the Human Gene Mutation Database (HGMD: prior to June 1st, 2018), and was therefore a candidate for classification through an automated scoring system. Utilizing variant allele frequency, disease prevalence and penetrance estimates, and inheritance mode, an automated score was calculated to assess if this variant is too frequent to cause the disease. Based on the score and internal cut-off values, a variant classified as benign is not then subjected to further curation. The score for this variant resulted in a classification of benign for this disease.